The following is an entry in ClinVar:

ClinVar aggregate classification (germline): Uncertain significance. Review status: criteria provided, multiple submitters, no conflicts (2 of 4 stars). 2 submissions from 2 submitters: Uncertain significance (2). Last evaluated 2025-03-17.

Allele frequency attached by ClinVar (database versions not stated): TOPMed 0.00002; gnomAD exomes 0.00003; ExAC 0.00004; gnomAD 0.00004; ESP Exome Variant Server 0.00023.

Submissions (2):

Labcorp Genetics (formerly Invitae), Labcorp
Classification: Uncertain significance. Last evaluated: 2025-03-17. Review status: criteria provided, single submitter. Criteria: Invitae Variant Classification Sherloc (09022015). Collection method: clinical testing. Allele origin: germline.
Comment: This sequence change replaces arginine, which is basic and polar, with cysteine, which is neutral and slightly polar, at codon 2002 of the VPS13D protein (p.Arg2002Cys). This variant is present in population databases (rs201572062, gnomAD 0.04%). This variant has not been reported in the literature in individuals affected with VPS13D-related conditions. ClinVar contains an entry for this variant (Variation ID: 1919039). Invitae Evidence Modeling of protein sequence and biophysical properties (such as structural, functional, and spatial information, amino acid conservation, physicochemical variation, residue mobility, and thermodynamic stability) indicates that this missense variant is expected to disrupt VPS13D protein function with a positive predictive value of 80%. In summary, the available evidence is currently insufficient to determine the role of this variant in disease. Therefore, it has been classified as a Variant of Uncertain Significance.

GeneDx
Classification: Uncertain significance. Last evaluated: 2024-06-26. Review status: criteria provided, single submitter. Criteria: GeneDx Variant Classification Process June 2021. Collection method: clinical testing. Allele origin: germline. Affected: yes.
Comment: In silico analysis supports that this missense variant has a deleterious effect on protein structure/function; Has not been previously published as pathogenic or benign to our knowledge

NM_015378.4(VPS13D):c.6004C>T (p.Arg2002Cys)

Gene: VPS13D (vacuolar protein sorting 13 homolog D; plus strand). Cytogenetic location: 1p36.22.
Variant type: single nucleotide variant.
Coding change: c.6004C>T on transcript NM_015378.4 (MANE Select); coding-DNA position 6004, C replaced by T.
Protein change: p.Arg2002Cys; replaces arginine 2002 with cysteine.
Molecular consequence: missense variant.
Genome position (GRCh38, 1-based): chr1:12,293,675, C>T. VCF-style: chr1-12293675-C-T. GRCh37 (hg19) VCF-style: chr1-12353732-C-T.
Other names: c.6004C>T, p.Arg2002Cys (NM_018156.4); c.6004C>T (NM_015378.3); short protein forms R2002C.
Identifiers: ClinVar variation 1919039 (VCV001919039.6), dbSNP rs201572062, ClinGen allele CA602482.